The following is an entry in ClinVar:

NM_000489.6(ATRX):c.4550T>C (p.Leu1517Ser)

Gene: ATRX (ATRX chromatin remodeler; minus strand). Cytogenetic location: Xq21.1.
Variant type: single nucleotide variant.
Coding change: c.4550T>C on transcript NM_000489.6 (MANE Select); coding-DNA position 4550, T replaced by C.
Protein change: p.Leu1517Ser; replaces leucine 1517 with serine.
Molecular consequence: missense variant.
Genome position (GRCh38, 1-based): chrX:77,652,121, A>G on the plus strand (T>C on the coding strand, the complement: ATRX is on the minus strand). VCF-style: chrX-77652121-A-G. GRCh37 (hg19) VCF-style: chrX-76907611-A-G.
Other names: c.4436T>C, p.Leu1479Ser (NM_138270.5); short protein forms L1479S, L1517S.
Identifiers: ClinVar variation 3384585 (VCV003384585.1).

ClinVar aggregate classification (germline): Uncertain significance (1 of 4 stars; one submission).

Submission:

GeneDx
Classification: Uncertain significance. Last evaluated: 2024-06-03. Review status: criteria provided, single submitter. Criteria: GeneDx Variant Classification Process June 2021. Collection method: clinical testing. Allele origin: germline. Affected: yes.
Comment: Not observed at significant frequency in large population cohorts (gnomAD); In silico analysis supports that this missense variant has a deleterious effect on protein structure/function; Has not been previously published as pathogenic or benign to our knowledge